The following is an entry in ClinVar:

NM_139027.6(ADAMTS13):c.16C>T (p.Pro6Ser)

Gene: ADAMTS13 (ADAM metallopeptidase with thrombospondin type 1 motif 13; plus strand). Cytogenetic location: 9q34.2.
Variant type: single nucleotide variant.
Coding change: c.16C>T on transcript NM_139027.6 (MANE Select); coding-DNA position 16, C replaced by T.
Protein change: p.Pro6Ser; replaces proline 6 with serine.
Molecular consequence: missense variant.
Genome position (GRCh38, 1-based): chr9:133,422,459, C>T. VCF-style: chr9-133422459-C-T. GRCh37 (hg19) VCF-style: chr9-136287579-C-T.
Other names: p.Pro6Ser; c.16C>T, p.Pro6Ser (NM_139025.5, NM_139026.6); c.16C>T (NM_139025.3); short protein forms P6S.
Identifiers: ClinVar variation 3379919 (VCV003379919.3).

ClinVar aggregate classification (germline): Uncertain significance. Review status: criteria provided, multiple submitters, no conflicts (2 of 4 stars). 3 submissions from 3 submitters: Uncertain significance (3). Last evaluated 2025-11-03.

Conditions:
Upshaw-Schulman syndrome (TTP). Also called: Congenital thrombotic thrombocytopenic purpura; THROMBOTIC THROMBOCYTOPENIC PURPURA, HEREDITARY. Identifiers: Orphanet 93583, MedGen C1268935, MONDO:0010122, OMIM 274150.
Inborn genetic diseases. Identifiers: MedGen C0950123, MeSH D030342.

gnomAD v4.1: 4 of 1,613,810 alleles (0.00025%); highest among the groups gnomAD compares: African/African-American, 0.004%; no homozygotes.

Submissions (3):

Ambry Genetics
Classification: Uncertain significance for Inborn genetic diseases. Last evaluated: 2025-11-03. Review status: criteria provided, single submitter. Criteria: Ambry Variant Classification Scheme 2023. Collection method: clinical testing. Allele origin: germline.

Mayo Clinic Laboratories, Mayo Clinic
Classification: Uncertain significance. Last evaluated: 2024-08-19. Review status: criteria provided, single submitter. Criteria: ACMG Guidelines, 2015. Collection method: clinical testing. Allele origin: germline. Observed: 1 variant allele.
Comment: BP4, PM2

Fulgent Genetics
Classification: Uncertain significance for Upshaw-Schulman syndrome. Last evaluated: 2024-02-19. Review status: criteria provided, single submitter. Criteria: ACMG Guidelines, 2015. Collection method: clinical testing. Allele origin: germline.